The following is an entry in ClinVar:

NM_002880.4(RAF1):c.1323G>T (p.Gln441His)

Gene: RAF1 (Raf-1 proto-oncogene, serine/threonine kinase; minus strand). Cytogenetic location: 3p25.2.
Variant type: single nucleotide variant.
Coding change: c.1323G>T on transcript NM_002880.4 (MANE Select); coding-DNA position 1323, G replaced by T.
Protein change: p.Gln441His; replaces glutamine 441 with histidine.
Molecular consequence: missense variant. On other transcripts: non-coding transcript variant (3).
Genome position (GRCh38, 1-based): chr3:12,590,845, C>A on the plus strand (G>T on the coding strand, the complement: RAF1 is on the minus strand). VCF-style: chr3-12590845-C-A. GRCh37 (hg19) VCF-style: chr3-12632344-C-A.
Other names: c.1383G>T, p.Gln461His (NM_001354689.3); c.1323G>T, p.Gln441His (NM_001354690.3); c.1080G>T, p.Gln360His (NM_001354691.3, NM_001354692.3); c.1224G>T, p.Gln408His (NM_001354693.3); c.1140G>T, p.Gln380His (NM_001354694.3); c.981G>T, p.Gln327His (NM_001354695.3); short protein forms Q441H, Q360H, Q408H, Q461H, Q327H, Q380H.
Identifiers: ClinVar variation 430397 (VCV000430397.2), dbSNP rs1131691942, ClinGen allele CA351501858.

ClinVar aggregate classification (germline): Uncertain significance (1 of 4 stars; one submission).

Submission:

GeneDx
Classification: Uncertain significance. Last evaluated: 2017-05-25. Review status: criteria provided, single submitter. Criteria: GeneDx Variant Classification (06012015). Collection method: clinical testing. Allele origin: germline. Affected: yes.
Comment: The Q441H variant has not been published as a pathogenic variant, nor has it been reported as a benign variant to our knowledge. The variant is not observed in large population cohorts (Lek et al., 2016; 1000 Genomes Consortium et al., 2015; Exome Variant Server). Q441H is a semi-conservative amino acid substitution, which may impact secondary protein structure as these residues differ in some properties. This substitution occurs at a position that is conserved in mammals; however, in silico analysis is inconsistent in its predictions as to whether or not the variant is damaging to the protein structure/function. In summary, based on the currently available information, it is unclear whether this variant is a pathogenic variant or a rare benign variant.